The following is an entry in ClinVar:

ClinVar aggregate classification (germline): Uncertain significance (1 of 4 stars; one submission).

Submission:

GeneDx
Classification: Uncertain significance. Last evaluated: 2021-06-14. Review status: criteria provided, single submitter. Criteria: GeneDx Variant Classification Process June 2021. Collection method: clinical testing. Allele origin: germline. Affected: yes.
Comment: Has not been previously published as pathogenic or benign to our knowledge; Not observed at significant frequency in large population cohorts (Lek et al., 2016); In silico analysis supports that this missense variant has a deleterious effect on protein structure/function; This variant is associated with the following publications: (PMID: 27535533)

NM_001378452.1(ITPR1):c.1754T>C (p.Ile585Thr)

Gene: ITPR1 (inositol 1,4,5-trisphosphate receptor type 1; plus strand). Cytogenetic location: 3p26.1.
Variant type: single nucleotide variant.
Coding change: c.1754T>C on transcript NM_001378452.1 (MANE Select); coding-DNA position 1754, T replaced by C.
Protein change: p.Ile585Thr; replaces isoleucine 585 with threonine.
Molecular consequence: missense variant.
Genome position (GRCh38, 1-based): chr3:4,667,417, T>C. VCF-style: chr3-4667417-T-C. GRCh37 (hg19) VCF-style: chr3-4709101-T-C.
Other names: c.1754T>C, p.Ile585Thr (NM_001099952.4); c.1709T>C, p.Ile570Thr (NM_001168272.2, NM_002222.7); short protein forms I570T, I585T.
Identifiers: ClinVar variation 1328815 (VCV001328815.2), dbSNP rs2125201780, ClinGen allele CA351642941.